The following is an entry in ClinVar:

ClinVar aggregate classification (germline): Pathogenic (1 of 4 stars; one submission).

Submission:

CeGaT Center for Human Genetics Tuebingen
Classification: Pathogenic. Last evaluated: 2024-02-01. Review status: criteria provided, single submitter. Criteria: CeGaT Center For Human Genetics Tuebingen Variant Classification Criteria Version 2. Collection method: clinical testing. Allele origin: germline. Affected: yes. Observed: 1 variant allele.
Comment: FANCM: PVS1, PM2

NM_020937.4(FANCM):c.2777_2778del (p.Glu926fs)

Gene: FANCM (FA complementation group M; plus strand). Cytogenetic location: 14q21.2.
Variant type: Microsatellite.
Coding change: c.2777_2778del on transcript NM_020937.4 (MANE Select); coding-DNA positions 2777 to 2778, 2 bases deleted (AG; older notation c.2777_2778delAG).
Protein change: p.Glu926fs; shifts the reading frame from glutamic acid 926.
Molecular consequence: frameshift variant.
Genome position (GRCh38, 1-based): chr14:45,175,531-45,175,532, AG deleted; deleting any 2 consecutive bases within chr14:45,175,529-45,175,532 gives the same sequence; the c. name uses the placement nearest the transcript's 3' end. VCF-style (leftmost placement, unchanged base first): chr14-45175528-CAG-C. GRCh37 (hg19) VCF-style: chr14-45644731-CAG-C.
Other names: c.2699_2700del, p.Glu900fs (NM_001308133.2); short protein forms E900fs, E926fs.
Identifiers: ClinVar variation 3027291 (VCV003027291.22), dbSNP rs2503183916, ClinGen allele CA2740097070.
Genomic context (GRCh38, chr14:45,175,528, plus strand): 5'-AAATTGCTGCCACATGTACTATTAATGAAAATGTTATTAAAGAACCGTGTGTGTTATTAA[CAG>C]AGTGTCAGTTTACAAATAAATCCACTAGTTCACTTGCTGGAAATGTTTTAGATTCTGGTT-3'